The following is an entry in ClinVar:

NM_000062.3(SERPING1):c.878T>C (p.Ile293Thr)

Gene: SERPING1 (serpin family G member 1; plus strand). Cytogenetic location: 11q12.1.
Variant type: single nucleotide variant.
Coding change: c.878T>C on transcript NM_000062.3 (MANE Select); coding-DNA position 878, T replaced by C.
Protein change: p.Ile293Thr; replaces isoleucine 293 with threonine.
Molecular consequence: missense variant.
Genome position (GRCh38, 1-based): chr11:57,606,202, T>C. VCF-style: chr11-57606202-T-C. GRCh37 (hg19) VCF-style: chr11-57373675-T-C.
Other names: c.878T>C, p.Ile293Thr (NM_001032295.2); short protein forms I293T.
Identifiers: ClinVar variation 690346 (VCV000690346.2), dbSNP rs1590826571, ClinGen allele CA380699773.
Genomic context (GRCh38, chr11:57,606,202, plus strand): 5'-AGATCAGCCGGCTGCTAGACAGTCTGCCCTCCGATACCCGCCTTGTCCTCCTCAATGCTA[T>C]CTACCTGAGTGGTAAGGGTGCCCTTAGCCAGTTAGTCTTCCCATTCTGGGTCCTTCTTCC-3'
Protein context (NP_000053.2, residues 283-303): SDTRLVLLNA[Ile293Thr]YLSAKWKTTF

ClinVar aggregate classification (germline): Likely pathogenic (1 of 4 stars; one submission).

Conditions:
Hereditary angioedema type 1 (HAE1). Identifiers: Orphanet 100050, Orphanet 100051, Orphanet 91378, MedGen C2717906, MONDO:0015053, OMIM 106100.

Submission:

Department of Immunology and Histocompatibility, University of Thessaly
Classification: Likely pathogenic for Hereditary angioedema type 1. Review status: criteria provided, single submitter. Criteria: ACMG Guidelines, 2015. Collection method: clinical testing. Allele origin: germline. Affected: yes. Observed: 1 variant allele.
Comment: The c.878T>C (p.Ile293Thr) variant has been previously reported in association with hereditary angioedema in the literature (Pappalardo et al, 2000, Speletas et al., 2015, Loules et al., 2018) and in HAE database. It has never been detected in approximately 120000 individuals of the Exome Aggregation Consortium (ExAC), indicating that it is not a common variant. Bioinformatic tools SIFT and PolyPhen2 predict this variant as deleterious and possibly damaging, respectively. Taking all the above into account and according to ACMG Guidelines (Criteria: PM2, PP2, PP3, PP4, PP5) the variant is considered likely pathogenic.

Literature cited by the submitters: PubMed 29753808.